The following is an entry in ClinVar:

ClinVar aggregate classification (germline): Uncertain significance. Review status: criteria provided, multiple submitters, no conflicts (2 of 4 stars). 2 submissions from 2 submitters: Uncertain significance (2). Last evaluated 2024-01-31.

Conditions:
Amyotrophic lateral sclerosis type 1 (ALS1). Also called: AMYOTROPHIC LATERAL SCLEROSIS 1, FAMILIAL. Identifiers: Orphanet 803, MedGen C1862939, MONDO:0007103, OMIM 105400.
Perry syndrome. Also called: PARKINSONISM WITH ALVEOLAR HYPOVENTILATION AND MENTAL DEPRESSION. Identifiers: Orphanet 178509, MedGen C1868594, MONDO:0008201, OMIM 168605.
Neuronopathy, distal hereditary motor, type 7B. Also called: HMN VIIB; NEURONOPATHY, DISTAL HEREDITARY MOTOR, AUTOSOMAL DOMINANT 14; NEURONOPATHY, DISTAL HEREDITARY MOTOR, HARDING TYPE VIIB; NEUROPATHY, DISTAL HEREDITARY MOTOR, HARDING TYPE VIIB; NEUROPATHY, DISTAL HEREDITARY MOTOR, WITH VOCAL CORD PARALYSIS, HARDING TYPE VIIB; Distal Hereditary Motor Neuronopathy Type 7B (dHMN7B). Identifiers: Orphanet 139589, MedGen C1843315, MONDO:0011879, OMIM 607641.

gnomAD v4.1: 2 of 1,614,110 alleles (0.00012%); highest among the groups gnomAD compares: Non-Finnish European, 0.00017%; no homozygotes.

Submissions (2):

Labcorp Genetics (formerly Invitae), Labcorp
Classification: Uncertain significance for Amyotrophic lateral sclerosis type 1; Neuronopathy, distal hereditary motor, type 7B; Perry syndrome. Last evaluated: 2024-01-31. Review status: criteria provided, single submitter. Criteria: Invitae Variant Classification Sherloc (09022015). Collection method: clinical testing. Allele origin: germline.
Comment: This sequence change replaces glutamine, which is neutral and polar, with leucine, which is neutral and non-polar, at codon 850 of the DCTN1 protein (p.Gln850Leu). This variant is not present in population databases (gnomAD no frequency). This variant has not been reported in the literature in individuals affected with DCTN1-related conditions. ClinVar contains an entry for this variant (Variation ID: 808775). Advanced modeling of protein sequence and biophysical properties (such as structural, functional, and spatial information, amino acid conservation, physicochemical variation, residue mobility, and thermodynamic stability) performed at Invitae indicates that this missense variant is not expected to disrupt DCTN1 protein function with a negative predictive value of 80%. In summary, the available evidence is currently insufficient to determine the role of this variant in disease. Therefore, it has been classified as a Variant of Uncertain Significance.

CeGaT Center for Human Genetics Tuebingen
Classification: Uncertain significance. Last evaluated: 2019-04-01. Review status: criteria provided, single submitter. Criteria: CeGaT Center For Human Genetics Tuebingen Variant Classification Criteria Version 2. Collection method: clinical testing. Allele origin: germline. Affected: yes. Observed: 3 variant alleles.

NM_004082.5(DCTN1):c.2549A>T (p.Gln850Leu)

Gene: DCTN1 (dynactin subunit 1; minus strand). Cytogenetic location: 2p13.1.
Variant type: single nucleotide variant.
Coding change: c.2549A>T on transcript NM_004082.5 (MANE Select); coding-DNA position 2549, A replaced by T.
Protein change: p.Gln850Leu; replaces glutamine 850 with leucine.
Molecular consequence: missense variant. On other transcripts: non-coding transcript variant (1).
Genome position (GRCh38, 1-based): chr2:74,366,538, T>A on the plus strand (A>T on the coding strand, the complement: DCTN1 is on the minus strand). VCF-style: chr2-74366538-T-A. GRCh37 (hg19) VCF-style: chr2-74593665-T-A.
Other names: c.2489A>T, p.Gln830Leu (NM_001135040.3); c.2147A>T, p.Gln716Leu (NM_001135041.3, NM_023019.4); c.2438A>T, p.Gln813Leu (NM_001190836.2); c.2528A>T, p.Gln843Leu (NM_001190837.2); c.2498A>T, p.Gln833Leu (NM_001378991.1); c.2480A>T, p.Gln827Leu (NM_001378992.1); short protein forms Q813L, Q843L, Q850L, Q716L, Q830L, Q827L, Q833L.
Identifiers: ClinVar variation 808775 (VCV000808775.47), dbSNP rs75213803, ClinGen allele CA347346378.